The following is an entry in ClinVar:

NM_000061.3(BTK):c.1321G>T (p.Glu441Ter)

Gene: BTK (Bruton tyrosine kinase; minus strand). Cytogenetic location: Xq22.1.
Variant type: single nucleotide variant.
Coding change: c.1321G>T on transcript NM_000061.3 (MANE Select); coding-DNA position 1321, G replaced by T.
Protein change: p.Glu441Ter; replaces glutamic acid 441 with a stop codon.
Molecular consequence: nonsense. On other transcripts: intron variant (1).
Genome position (GRCh38, 1-based): chrX:101,356,812, C>A on the plus strand (G>T on the coding strand, the complement: BTK is on the minus strand). VCF-style: chrX-101356812-C-A. GRCh37 (hg19) VCF-style: chrX-100611800-C-A.
Other names: c.1423G>T, p.Glu475Ter (NM_001287344.2); c.1038+1562G>T (NM_001287345.2); short protein forms E475*, E441*.
Identifiers: ClinVar variation 656715 (VCV000656715.2), dbSNP rs1603005073, ClinGen allele CA413924901.
Genomic context (GRCh38, chrX:101,356,812, plus strand): 5'-AGATTGAGAGTTGAGTTTGGGCTATAACTCACATCATGACTTTGGCTTCTTCAATGAATT[C>A]ATCTTCAGACATGGAGCCTTCTTTGATCATCTTGATGGCCACGTCGTACTGGCCTCTCCA-3'

ClinVar aggregate classification (germline): Pathogenic. Review status: criteria provided, multiple submitters, no conflicts (2 of 4 stars). 2 submissions from 2 submitters: Pathogenic (2). Last evaluated 2024-02-14.

Conditions:
X-linked agammaglobulinemia (XLA). Also called: IMMUNODEFICIENCY 1; Agammaglobulinemia, Bruton tyrosine kinase; Agammaglobulinemia, BTK; BTK-deficiency; Bruton's agammaglobulinemia; AGAMMAGLOBULINEMIA, X-LINKED, TYPE 1. Identifiers: Orphanet 229717, Orphanet 47, MedGen C0221026, MONDO:0010421, OMIM 300755.
X-linked agammaglobulinemia with growth hormone deficiency (IGHD3). Also called: FLEISHER SYNDROME; HYPOGAMMAGLOBULINEMIA AND ISOLATED GROWTH HORMONE DEFICIENCY, X-LINKED; IGHD III; ISOLATED GROWTH HORMONE DEFICIENCY, TYPE III, WITH AGAMMAGLOBULINEMIA; AGAMMAGLOBULINEMIA AND ISOLATED GROWTH HORMONE DEFICIENCY, X-LINKED; Isolated growth hormone deficiency type 3. Identifiers: Orphanet 231692, Orphanet 631, MedGen C0472813, MONDO:0010615, OMIM 307200.

Submissions (2):

Department of Human Genetics, Hannover Medical School
Classification: Pathogenic for X-linked agammaglobulinemia. Last evaluated: 2024-02-14. Review status: criteria provided, single submitter. Criteria: ACMG Guidelines, 2015. Collection method: clinical testing. Allele origin: germline. Affected: yes.

Labcorp Genetics (formerly Invitae), Labcorp
Classification: Pathogenic for X-linked agammaglobulinemia with growth hormone deficiency. Last evaluated: 2018-08-14. Review status: criteria provided, single submitter. Criteria: Invitae Variant Classification Sherloc (09022015). Collection method: clinical testing. Allele origin: germline.
Comment: This sequence change creates a premature translational stop signal (p.Glu441*) in the BTK gene. It is expected to result in an absent or disrupted protein product. This variant is not present in population databases (ExAC no frequency). This variant has been observed in an individual affected withÂ¬â€ X-linked agammaglobulinemia (XLA)Â¬â€ (PMID:Â¬â€ 8834236). Loss-of-function variants in BTK are known to be pathogenic (PMID: 15661032, 16862044, 19419768). For these reasons, this variant has been classified as Pathogenic.